The following is an entry in ClinVar:

ClinVar aggregate classification (germline): Conflicting classifications of pathogenicity. Review status: criteria provided, conflicting classifications (1 of 4 stars). 3 submissions from 3 submitters: Uncertain significance (1); Likely benign (2). Last evaluated 2026-01-13.

Conditions:
Metachromatic leukodystrophy (MLD). Also called: SULFATIDE LIPIDOSIS; ARSA DEFICIENCY; CEREBROSIDE SULFATASE DEFICIENCY; Cerebral sclerosis diffuse metachromatic form; METACHROMATIC LEUKOENCEPHALOPATHY; Arylsulfatase A Deficiency. Identifiers: Orphanet 512, MedGen C0023522, MONDO:0018868, OMIM 250100.

Allele frequency attached by ClinVar (database versions not stated): gnomAD 0.00002 and 0.00003; gnomAD exomes 0.00002; ExAC 0.00003; TOPMed 0.00003.

Submissions (3):

Labcorp Genetics (formerly Invitae), Labcorp
Classification: Likely benign for Metachromatic leukodystrophy. Last evaluated: 2026-01-13. Review status: criteria provided, single submitter. Criteria: Invitae Variant Classification Sherloc (09022015). Collection method: clinical testing. Allele origin: germline.

CeGaT Center for Human Genetics Tuebingen
Classification: Likely benign. Last evaluated: 2022-11-01. Review status: criteria provided, single submitter. Criteria: CeGaT Center For Human Genetics Tuebingen Variant Classification Criteria Version 2. Collection method: clinical testing. Allele origin: germline. Affected: yes. Observed: 1 variant allele.
Comment: ARSA: BP4, BP7

Eurofins Ntd Llc (ga)
Classification: Uncertain significance. Last evaluated: 2016-01-29. Review status: criteria provided, single submitter. Criteria: EGL Classification Definitions 2015. Collection method: clinical testing. Allele origin: germline. Observed: 1 variant allele, 1 heterozygote.

NM_000487.6(ARSA):c.930C>T (p.Gly310=)

Gene: ARSA (arylsulfatase A; minus strand). Cytogenetic location: 22q13.33.
Variant type: single nucleotide variant.
Coding change: c.930C>T on transcript NM_000487.6 (MANE Select); coding-DNA position 930, C replaced by T.
Protein change: p.Gly310=; no amino-acid change (glycine 310 retained).
Molecular consequence: synonymous variant.
Genome position (GRCh38, 1-based): chr22:50,626,203, G>A on the plus strand (C>T on the coding strand, the complement: ARSA is on the minus strand). VCF-style: chr22-50626203-G-A. GRCh37 (hg19) VCF-style: chr22-51064631-G-A.
Other names: c.930C>T, p.Gly310= (NM_001085425.3, NM_001085426.3, NM_001085427.3); c.672C>T, p.Gly224= (NM_001085428.3, NM_001362782.2).
Identifiers: ClinVar variation 285844 (VCV000285844.38), dbSNP rs767751622, ClinGen allele CA10324871.
Genomic context (GRCh38, chr22:50,626,203, plus strand): 5'-TGCGGACTGACCGGGAGCGATATGACCTGGCCAGAAGGCCAAGGCAGGCTCTCGGACACC[G>A]CCCTCGTAGGTCGTTCCCTTTCCACACCGCAAGAGACCGGAGCAGCCGCCTCGGGACATA-3'
Protein context (NP_000478.3, residues 300-320): LRCGKGTTYE[Gly310=]GVREPALAFW